The following is an entry in ClinVar:

NM_001080432.3(FTO):c.976-4A>G

Gene: FTO (FTO alpha-ketoglutarate dependent dioxygenase; plus strand). Cytogenetic location: 16q12.2.
Variant type: single nucleotide variant.
Coding change: c.976-4A>G on transcript NM_001080432.3 (MANE Select); 4 bases into the intron before coding-DNA position 976, A replaced by G.
Molecular consequence: intron variant.
Genome position (GRCh38, 1-based): chr16:53,879,840, A>G. VCF-style: chr16-53879840-A-G. GRCh37 (hg19) VCF-style: chr16-53913752-A-G.
Other names: c.463-4A>G (NM_001363905.2); c.1006-4A>G (NM_001363891.2); c.1005+5975A>G (NM_001363898.2); c.862-4A>G (NM_001363899.2); c.976-4A>G (NM_001363894.2, NM_001363988.2, NM_001363896.2 and 4 more transcripts); c.975+5975A>G (NM_001363900.2); c.832-4A>G (NM_001363901.2); c.898-4A>G (NM_001363897.2).
Identifiers: ClinVar variation 4690370 (VCV004690370.1).
Genomic context (GRCh38, chr16:53,879,840, plus strand): 5'-GGAAGGATGGTAGAGTAAACTTAGATTTTGCCCATAATTGTGATTGCTGGTTCTGTCTCA[A>G]CAGTGCTCAACAGGAACCTTGGATTATATTTTACAACGCTGTCAGTTGGCTCTGCAGAAT-3'

ClinVar aggregate classification (germline): Uncertain significance (1 of 4 stars; one submission).

gnomAD v4.1: 1 of 1,614,062 alleles (0.000062%); highest among the groups gnomAD compares: Admixed American, 0.0017%; no homozygotes.

Submission:

Labcorp Genetics (formerly Invitae), Labcorp
Classification: Uncertain significance. Last evaluated: 2025-05-08. Review status: criteria provided, single submitter. Criteria: Invitae Variant Classification Sherloc (09022015). Collection method: clinical testing. Allele origin: germline.
Comment: This sequence change falls in intron 5 of the FTO gene. It does not directly change the encoded amino acid sequence of the FTO protein. This variant is not present in population databases (gnomAD no frequency). This variant has not been reported in the literature in individuals affected with FTO-related conditions. Algorithms developed to predict the effect of sequence changes on RNA splicing suggest that this variant may create or strengthen a splice site. In summary, the available evidence is currently insufficient to determine the role of this variant in disease. Therefore, it has been classified as a Variant of Uncertain Significance.